The following is an entry in ClinVar:

ClinVar aggregate classification (germline): Uncertain significance (1 of 4 stars; one submission).

Conditions:
Hereditary cancer-predisposing syndrome. Also called: Neoplastic Syndromes, Hereditary; Tumor predisposition; Hereditary neoplastic syndrome; Hereditary Cancer Syndrome. Identifiers: Orphanet 140162, MedGen C0027672, MeSH D009386, MONDO:0015356.

Submission:

Ambry Genetics
Classification: Uncertain significance for Hereditary cancer-predisposing syndrome. Last evaluated: 2026-07-27. Review status: criteria provided, single submitter. Criteria: Ambry Variant Classification Scheme 2023. Collection method: clinical testing. Allele origin: germline.
Comment: The p.D862G variant (also known as c.2585A>G), located in coding exon 23 of the POLE gene, results from an A to G substitution at nucleotide position 2585. The aspartic acid at codon 862 is replaced by glycine, an amino acid with similar properties. This amino acid position is highly conserved in available vertebrate species. In addition, this alteration is predicted to be deleterious by in silico analysis. Based on the available evidence, the clinical significance of this variant remains unclear.

NM_006231.4(POLE):c.2585A>G (p.Asp862Gly)

Gene: POLE (DNA polymerase epsilon, catalytic subunit; minus strand). Cytogenetic location: 12q24.33.
Variant type: single nucleotide variant.
Coding change: c.2585A>G on transcript NM_006231.4 (MANE Select); coding-DNA position 2585, A replaced by G.
Protein change: p.Asp862Gly; replaces aspartic acid 862 with glycine.
Molecular consequence: missense variant.
Genome position (GRCh38, 1-based): chr12:132,664,125, T>C on the plus strand (A>G on the coding strand, the complement: POLE is on the minus strand). VCF-style: chr12-132664125-T-C. GRCh37 (hg19) VCF-style: chr12-133240711-T-C.
Other names: short protein forms D862G.
Identifiers: ClinVar variation 5027087 (VCV005027087.1).